The following is an entry in ClinVar:

NM_000051.4(ATM):c.1321C>T (p.Gln441Ter)

Gene: ATM (ATM serine/threonine kinase; plus strand). Cytogenetic location: 11q22.3.
Variant type: single nucleotide variant.
Coding change: c.1321C>T on transcript NM_000051.4 (MANE Select); coding-DNA position 1321, C replaced by T.
Protein change: p.Gln441Ter; replaces glutamine 441 with a stop codon.
Molecular consequence: nonsense.
Genome position (GRCh38, 1-based): chr11:108,250,786, C>T. VCF-style: chr11-108250786-C-T. GRCh37 (hg19) VCF-style: chr11-108121513-C-T.
Other names: c.1321C>T, p.Gln441Ter (NM_001351834.2); short protein forms Q441*.
Identifiers: ClinVar variation 627852 (VCV000627852.15), dbSNP rs1565382267, ClinGen allele CA382533670.
Genomic context (GRCh38, chr11:108,250,786, plus strand): 5'-TCAAAGTATCCTGCAAGTTTACCTAACTGTGAGCTGTCTCCATTACTGATGATACTATCT[C>T]AGCTTCTACCCCAACAGCGACATGGGGAACGTACACCATATGTGTTACGATGCCTTACGG-3'

ClinVar aggregate classification (germline): Pathogenic. Review status: criteria provided, multiple submitters, no conflicts (2 of 4 stars). 6 submissions from 6 submitters: Pathogenic (6). Last evaluated 2026-05-29.

Conditions:
Familial cancer of breast. Also called: BREAST CANCER, FAMILIAL; Hereditary breast cancer; hereditary breast carcinoma. Identifiers: Orphanet 227535, MedGen C0346153, MONDO:0016419, OMIM 114480. Disease mechanism: loss of function.
Ataxia-telangiectasia syndrome (AT). Also called: LOUIS-BAR SYNDROME; ATAXIA-TELANGIECTASIA, COMPLEMENTATION GROUP A; ATAXIA-TELANGIECTASIA, FRESNO VARIANT; Ataxia-telangiectasia, complementation group E; Ataxia-telangiectasia, complementation group D; Cerebello-oculocutaneous telangiectasia. Identifiers: Orphanet 100, MedGen C0004135, MONDO:0008840, OMIM 208900.
Hereditary cancer-predisposing syndrome. Also called: Hereditary Cancer Syndrome; Neoplastic Syndromes, Hereditary; Hereditary neoplastic syndrome; Tumor predisposition. Identifiers: Orphanet 140162, MedGen C0027672, MeSH D009386, MONDO:0015356.

Submissions (6):

Institute of Medical Genetics and Applied Genomics, University Hospital Tübingen
Classification: Pathogenic for Familial cancer of breast. Last evaluated: 2026-05-29. Review status: criteria provided, single submitter. Criteria: ACMG Guidelines, 2015. Collection method: clinical testing. Allele origin: germline. Inheritance: Autosomal dominant inheritance. Affected: yes.

Labcorp Genetics (formerly Invitae), Labcorp
Classification: Pathogenic for Ataxia-telangiectasia syndrome. Last evaluated: 2025-06-06. Review status: criteria provided, single submitter. Criteria: Invitae Variant Classification Sherloc (09022015). Collection method: clinical testing. Allele origin: germline.
Comment: This sequence change creates a premature translational stop signal (p.Gln441*) in the ATM gene. It is expected to result in an absent or disrupted protein product. Loss-of-function variants in ATM are known to be pathogenic (PMID: 23807571, 25614872). This variant is not present in population databases (gnomAD no frequency). This variant has not been reported in the literature in individuals affected with ATM-related conditions. ClinVar contains an entry for this variant (Variation ID: 627852). For these reasons, this variant has been classified as Pathogenic.

Myriad Genetics, Inc.
Classification: Pathogenic for Familial cancer of breast. Last evaluated: 2024-01-16. Review status: criteria provided, single submitter. Criteria: Myriad Autosomal Dominant, Autosomal Recessive and X-Linked Classification Criteria (2023). Collection method: clinical testing. Allele origin: unknown.
Comment: This variant is considered pathogenic. This variant creates a termination codon and is predicted to result in premature protein truncation.

GeneDx
Classification: Pathogenic. Last evaluated: 2022-11-23. Review status: criteria provided, single submitter. Criteria: GeneDx Variant Classification Process June 2021. Collection method: clinical testing. Allele origin: germline. Affected: yes.
Comment: Nonsense variant predicted to result in protein truncation or nonsense mediated decay in a gene for which loss of function is a known mechanism of disease; Truncating variants in this gene are considered pathogenic by a well-established clinical consortium and/or database; Not observed at significant frequency in large population cohorts (gnomAD); Has not been previously published as pathogenic or benign to our knowledge; This variant is associated with the following publications: (PMID: 25614872, 23807571)

Ambry Genetics
Classification: Pathogenic for Hereditary cancer-predisposing syndrome. Last evaluated: 2020-02-25. Review status: criteria provided, single submitter. Criteria: Ambry Variant Classification Scheme 2023. Collection method: clinical testing. Allele origin: germline.
Comment: The p.Q441* pathogenic mutation (also known as c.1321C>T), located in coding exon 9 of the ATM gene, results from a C to T substitution at nucleotide position 1321. This changes the amino acid from a glutamine to a stop codon within coding exon 9. This alteration is expected to result in loss of function by premature protein truncation or nonsense-mediated mRNA decay. As such, this alteration is interpreted as a disease-causing mutation.

Color Diagnostics, LLC DBA Color Health
Classification: Pathogenic for Hereditary cancer-predisposing syndrome. Last evaluated: 2020-01-15. Review status: criteria provided, single submitter. Criteria: ACMG Guidelines, 2015. Collection method: clinical testing. Allele origin: germline.
Comment: This variant changes 1 nucleotide in exon 10 of the ATM gene, creating a premature translation stop signal. This variant is expected to result in an absent or non-functional protein product. This variant has not been identified in the general population by the Genome Aggregation Database (gnomAD). Loss of ATM function is a known mechanism of disease. Based on the available evidence, this variant is classified as Pathogenic.

Literature cited by the submitters: PubMed 23807571 (cited by Labcorp Genetics (formerly Invitae), Labcorp); PubMed 25614872 (cited by Labcorp Genetics (formerly Invitae), Labcorp).